The following is an entry in ClinVar:

ClinVar aggregate classification (germline): Uncertain significance (1 of 4 stars; one submission).

Submission:

Labcorp Genetics (formerly Invitae), Labcorp
Classification: Uncertain significance. Last evaluated: 2022-02-04. Review status: criteria provided, single submitter. Criteria: Invitae Variant Classification Sherloc (09022015). Collection method: clinical testing. Allele origin: germline.
Comment: In summary, the available evidence is currently insufficient to determine the role of this variant in disease. Therefore, it has been classified as a Variant of Uncertain Significance. Variants that disrupt the consensus splice site are a relatively common cause of aberrant splicing (PMID: 17576681, 9536098). Experimental studies and prediction algorithms are not available or were not evaluated, and the effect of this variant on mRNA splicing is currently unknown. This variant has not been reported in the literature in individuals affected with NDUFA6-related conditions. This variant is present in population databases (no rsID available, gnomAD 0.0009%). This sequence change falls in intron 1 of the NDUFA6 gene. It does not directly change the encoded amino acid sequence of the NDUFA6 protein. It affects a nucleotide within the consensus splice site.

Literature cited by the submitters: PubMed 17576681; PubMed 9536098.

NM_002490.6(NDUFA6):c.139+4A>G

Gene: NDUFA6 (NADH:ubiquinone oxidoreductase subunit A6; minus strand). Cytogenetic location: 22q13.2.
Variant type: single nucleotide variant.
Coding change: c.139+4A>G on transcript NM_002490.6 (MANE Select); 4 bases into the intron after coding-DNA position 139, A replaced by G.
Molecular consequence: intron variant.
Genome position (GRCh38, 1-based): chr22:42,090,602, T>C on the plus strand (A>G on the coding strand, the complement: NDUFA6 is on the minus strand). VCF-style: chr22-42090602-T-C. GRCh37 (hg19) VCF-style: chr22-42486606-T-C.
Identifiers: ClinVar variation 2092046 (VCV002092046.4), dbSNP rs1444138944, ClinGen allele CA639827758.